The following is an entry in ClinVar:

Conditions:
Breast-ovarian cancer, familial, susceptibility to, 1 (BROVCA1). Also called: BRCA1 Hereditary Breast and Ovarian Cancer; OVARIAN CANCER, SUSCEPTIBILITY TO. Identifiers: Orphanet 145, MedGen C2676676, MONDO:0011450, OMIM 604370. Disease mechanism: loss of function.

Submission:

Brotman Baty Institute, University of Washington
No classification provided (evidence only). Condition: Breast-ovarian cancer, familial 1. Review status: no classification provided. Collection method: in vitro. Allele origin: not applicable. Functional consequence: functionally_normal.
ClinVar note: "not provided" was previously submitted as the classification for the variant. However, the classification appeared to be based only on an observation of functional data so it was converted to no classification on 2025-07-30.

NM_007294.4(BRCA1):c.213-7A>C

Gene: BRCA1 (BRCA1 DNA repair associated; minus strand). Cytogenetic location: 17q21.31.
Variant type: single nucleotide variant.
Coding change: c.213-7A>C on transcript NM_007294.4 (MANE Select); 7 bases into the intron before coding-DNA position 213, A replaced by C.
Molecular consequence: intron variant.
Genome position (GRCh38, 1-based): chr17:43,104,963, T>G on the plus strand (A>C on the coding strand, the complement: BRCA1 is on the minus strand). VCF-style: chr17-43104963-T-G. GRCh37 (hg19) VCF-style: chr17-41256980-T-G.
Other names: c.72-7A>C (NM_001408458.1, NM_001407931.1, NM_001407747.1 and 99 more transcripts); c.-218-10103A>C (NM_001407967.1, NM_001407966.1); c.-169-7A>C (NM_001407959.1, NM_001407962.1, NM_001408512.1 and 4 more transcripts); c.3-7A>C (NM_001407885.1, NM_001407886.1, NM_001407898.1 and 58 more transcripts); c.213-7A>C (NM_001407686.1, NM_001408397.1, NM_001407632.1 and 167 more transcripts); c.81-7A>C (NM_001408451.1); c.135-7A>C (NM_001408475.1, NM_001407875.1, NM_001407659.1 and 21 more transcripts).
Identifiers: ClinVar variation 865277 (VCV000865277.3), dbSNP rs2054700180, ClinGen allele CA916080853.
Genomic context (GRCh38, chr17:43,104,963, plus strand): 5'-ATTTTCAATAGCTCTTCAACAAGTTGACTAAATCTCGTACTTTCTTGTAGGCTCCTGAAA[T>G]TAAATTGTTTGAGAAACACACTCAGCAAGTGATTATCAACCTTTTAAGGACACTAAAATA-3'